The following is an entry in ClinVar:

ClinVar aggregate classification (germline): Uncertain significance (1 of 4 stars; one submission).

Conditions:
Candidiasis, familial, 9 (CANDF9). Identifiers: Orphanet 1334, MedGen C4225324, MONDO:0014642, OMIM 616445.

Submission:

Labcorp Genetics (formerly Invitae), Labcorp
Classification: Uncertain significance for Candidiasis, familial, 9. Last evaluated: 2025-01-06. Review status: criteria provided, single submitter. Criteria: Invitae Variant Classification Sherloc (09022015). Collection method: clinical testing. Allele origin: germline.
Comment: This variant, c.247_249del, results in the deletion of 1 amino acid(s) of the IL17RC protein (p.Glu83del), but otherwise preserves the integrity of the reading frame. This variant is not present in population databases (gnomAD no frequency). This variant has not been reported in the literature in individuals affected with IL17RC-related conditions. Experimental studies and prediction algorithms are not available or were not evaluated, and the functional significance of this variant is currently unknown. In summary, the available evidence is currently insufficient to determine the role of this variant in disease. Therefore, it has been classified as a Variant of Uncertain Significance.

NM_153460.4(IL17RC):c.105+142_105+144del

Gene: IL17RC (interleukin 17 receptor C; plus strand). Cytogenetic location: 3p25.3.
Variant type: Microsatellite.
Coding change: c.105+142_105+144del on transcript NM_153460.4 (MANE Select); bases 142 to 144 of the intron after coding-DNA position 105, 3 bases deleted (GAA; older notation c.105+142_105+144delGAA).
Molecular consequence: intron variant.
Genome position (GRCh38, 1-based): chr3:9,917,562-9,917,564, GAA deleted; deleting any 3 consecutive bases within chr3:9,917,558-9,917,564 gives the same sequence; the c. name uses the placement nearest the transcript's 3' end. VCF-style (leftmost placement, unchanged base first): chr3-9917557-GAGA-G. GRCh37 (hg19) VCF-style: chr3-9959241-GAGA-G.
Other names: c.244GAA[1], p.Glu83del (NM_153461.4); c.105+142_105+144del (NM_001203263.2, NM_001203264.2, NM_001367278.1 and 5 more transcripts); short protein forms E83del.
Identifiers: ClinVar variation 3630873 (VCV003630873.2).